The following is an entry in ClinVar:

ClinVar aggregate classification (germline): Uncertain significance. Review status: criteria provided, multiple submitters, no conflicts (2 of 4 stars). 2 submissions from 2 submitters: Uncertain significance (2). Last evaluated 2026-06-26.

Conditions:
Tuberous sclerosis 2 (TSC2). Identifiers: Orphanet 805, MedGen C1860707, MONDO:0013199, OMIM 613254.
Hereditary cancer-predisposing syndrome. Also called: Hereditary Cancer Syndrome; Hereditary neoplastic syndrome; Neoplastic Syndromes, Hereditary; Tumor predisposition. Identifiers: Orphanet 140162, MedGen C0027672, MeSH D009386, MONDO:0015356.

Submissions (2):

Ambry Genetics
Classification: Uncertain significance for Hereditary cancer-predisposing syndrome. Last evaluated: 2026-06-26. Review status: criteria provided, single submitter. Criteria: Ambry Variant Classification Scheme 2023. Collection method: clinical testing. Allele origin: germline.
Comment: The p.M1715I variant (also known as c.5145G>A), located in coding exon 39 of the TSC2 gene, results from a G to A substitution at nucleotide position 5145. The methionine at codon 1715 is replaced by isoleucine, an amino acid with highly similar properties. This amino acid position is conserved. In addition, this alteration is predicted to be deleterious by in silico analysis. Based on the available evidence, the clinical significance of this variant remains unclear.

Labcorp Genetics (formerly Invitae), Labcorp
Classification: Uncertain significance for Tuberous sclerosis 2. Last evaluated: 2023-10-25. Review status: criteria provided, single submitter. Criteria: Invitae Variant Classification Sherloc (09022015). Collection method: clinical testing. Allele origin: germline.
Comment: This sequence change replaces methionine, which is neutral and non-polar, with isoleucine, which is neutral and non-polar, at codon 1715 of the TSC2 protein (p.Met1715Ile). This variant is not present in population databases (gnomAD no frequency). This variant has not been reported in the literature in individuals affected with TSC2-related conditions. Advanced modeling of protein sequence and biophysical properties (such as structural, functional, and spatial information, amino acid conservation, physicochemical variation, residue mobility, and thermodynamic stability) performed at Invitae indicates that this missense variant is not expected to disrupt TSC2 protein function with a negative predictive value of 95%. In summary, the available evidence is currently insufficient to determine the role of this variant in disease. Therefore, it has been classified as a Variant of Uncertain Significance.

NM_000548.5(TSC2):c.5145G>A (p.Met1715Ile)

Gene: TSC2 (TSC complex subunit 2; plus strand). Cytogenetic location: 16p13.3.
Variant type: single nucleotide variant.
Coding change: c.5145G>A on transcript NM_000548.5 (MANE Select); coding-DNA position 5145, G replaced by A.
Protein change: p.Met1715Ile; replaces methionine 1715 with isoleucine.
Molecular consequence: missense variant. On other transcripts: non-coding transcript variant (5).
Genome position (GRCh38, 1-based): chr16:2,088,124, G>A. VCF-style: chr16-2088124-G-A. GRCh37 (hg19) VCF-style: chr16-2138125-G-A.
Other names: c.3672G>A, p.Met1224Ile (NM_001406690.1); c.3669G>A, p.Met1223Ile (NM_001406691.1); c.3603G>A, p.Met1201Ile (NM_001406692.1, NM_001406693.1, NM_001406694.1); c.3600G>A, p.Met1200Ile (NM_001406695.1, NM_001406696.1, NM_001406697.1); c.3342G>A, p.Met1114Ile (NM_001406698.1); c.5016G>A, p.Met1672Ile (NM_021055.3, NM_001370405.1); c.4944G>A, p.Met1648Ile (NM_001077183.3); c.5076G>A, p.Met1692Ile (NM_001114382.3); and 26 more; short protein forms M1114I, M1471I, M1492I, M1495I, M1611I, M1612I, M1645I, M1649I.
Identifiers: ClinVar variation 2771708 (VCV002771708.4), dbSNP rs2544481351, ClinGen allele CA394312596.